The following is an entry in ClinVar:

ClinVar aggregate classification (germline): Uncertain significance (1 of 4 stars; one submission).

Conditions:
Tuberous sclerosis 2 (TSC2). Identifiers: Orphanet 805, MedGen C1860707, MONDO:0013199, OMIM 613254.

Submission:

Labcorp Genetics (formerly Invitae), Labcorp
Classification: Uncertain significance for Tuberous sclerosis 2. Last evaluated: 2022-10-17. Review status: criteria provided, single submitter. Criteria: Invitae Variant Classification Sherloc (09022015). Collection method: clinical testing. Allele origin: germline.
Comment: This variant results in a copy number gain of the genomic region encompassing exon(s) 10-42 of the TSC2 gene. This region includes the termination codon of the gene. This copy number gain extends beyond the assayed region for this gene and therefore may encompass additional genes. As the precise location of this event is unknown, it may be in tandem or it may be located elsewhere in the genome. This variant has not been reported in the literature in individuals affected with TSC2-related conditions. In summary, the available evidence is currently insufficient to determine the role of this variant in disease. Therefore, it has been classified as a Variant of Uncertain Significance.

NC_000016.10:g.(?_2058737)_(2088610_?)dup

Gene: TSC2 (TSC complex subunit 2; plus strand). Cytogenetic location: 16p13.3.
Variant type: Duplication.
Identifiers: ClinVar variation 830420 (VCV000830420.6).